The following is an entry in ClinVar:

NM_005236.3(ERCC4):c.2529G>T (p.Lys843Asn)

Gene: ERCC4 (ERCC excision repair 4, endonuclease catalytic subunit; plus strand). Cytogenetic location: 16p13.12.
Variant type: single nucleotide variant.
Coding change: c.2529G>T on transcript NM_005236.3 (MANE Select); coding-DNA position 2529, G replaced by T.
Protein change: p.Lys843Asn; replaces lysine 843 with asparagine.
Molecular consequence: missense variant.
Genome position (GRCh38, 1-based): chr16:13,948,125, G>T. VCF-style: chr16-13948125-G-T. GRCh37 (hg19) VCF-style: chr16-14041982-G-T.
Other names: short protein forms K843N.
Identifiers: ClinVar variation 4792990 (VCV004792990.1).
Genomic context (GRCh38, chr16:13,948,125, plus strand): 5'-TGATGCGGCGACAGCACTGGCCATTACAGCAGATTCTGAAACCCTTCCCGAGTCAGAGAA[G>T]TATAATCCTGGTCCCCAAGACTTCTTGTTAAAAATGCCAGGGGTGAATGCCAAAAACTGC-3'
Protein context (NP_005227.1, residues 833-853): ADSETLPESE[Lys843Asn]YNPGPQDFLL

ClinVar aggregate classification (germline): Uncertain significance (1 of 4 stars; one submission).

Conditions:
Cockayne syndrome. Identifiers: Orphanet 191, MedGen C0009207, MONDO:0016006.
Fanconi anemia complementation group Q. Identifiers: Orphanet 84, MedGen C3808988, MONDO:0014108, OMIM 615272.
Xeroderma pigmentosum, group F (XPF). Also called: XERODERMA PIGMENTOSUM VI; XP, GROUP F; XERODERMA PIGMENTOSUM, TYPE F; Xeroderma pigmentosum, type 6; ERCC4-Related Xeroderma Pigmentosum; XERODERMA PIGMENTOSUM, COMPLEMENTATION GROUP F. Identifiers: MedGen C0268140, MONDO:0010215, OMIM 278760.

gnomAD v4.1: 3 of 1,614,192 alleles (0.00019%); highest among the groups gnomAD compares: South Asian, 0.0033%; no homozygotes.

Submission:

Labcorp Genetics (formerly Invitae), Labcorp
Classification: Uncertain significance for Fanconi anemia complementation group Q; Xeroderma pigmentosum, group F; Cockayne syndrome. Last evaluated: 2025-08-28. Review status: criteria provided, single submitter. Criteria: Invitae Variant Classification Sherloc (09022015). Collection method: clinical testing. Allele origin: germline.
Comment: This sequence change replaces lysine, which is basic and polar, with asparagine, which is neutral and polar, at codon 843 of the ERCC4 protein (p.Lys843Asn). This variant is not present in population databases (gnomAD no frequency). This variant has not been reported in the literature in individuals affected with ERCC4-related conditions. Invitae Evidence Modeling of protein sequence and biophysical properties (such as structural, functional, and spatial information, amino acid conservation, physicochemical variation, residue mobility, and thermodynamic stability) indicates that this missense variant is not expected to disrupt ERCC4 protein function with a negative predictive value of 80%. In summary, the available evidence is currently insufficient to determine the role of this variant in disease. Therefore, it has been classified as a Variant of Uncertain Significance.